The following is an entry in ClinVar:

ClinVar aggregate classification (germline): Uncertain significance (1 of 4 stars; one submission).

Conditions:
Charcot-Marie-Tooth disease type 2. Also called: Charcot-Marie-Tooth type 2. Identifiers: Orphanet 64746, MedGen C0270914, MONDO:0018993.

Submission:

Labcorp Genetics (formerly Invitae), Labcorp
Classification: Uncertain significance for Charcot-Marie-Tooth disease type 2. Last evaluated: 2025-12-05. Review status: criteria provided, single submitter. Criteria: Invitae Variant Classification Sherloc (09022015). Collection method: clinical testing. Allele origin: germline.
Comment: This sequence change falls in intron 3 of the MFN2 gene. It does not directly change the encoded amino acid sequence of the MFN2 protein. It affects a nucleotide within the consensus splice site. This variant is not present in population databases (gnomAD no frequency). This variant has not been reported in the literature in individuals affected with MFN2-related conditions. Variants that disrupt the consensus splice site are a relatively common cause of aberrant splicing (PMID: 17576681, 9536098). Algorithms developed to predict the effect of sequence changes on RNA splicing suggest that this variant is not likely to affect RNA splicing. In summary, the available evidence is currently insufficient to determine the role of this variant in disease. Therefore, it has been classified as a Variant of Uncertain Significance.

Literature cited by the submitters: PubMed 17576681; PubMed 9536098.

NM_014874.4(MFN2):c.175+6G>C

Gene: MFN2 (mitofusin 2; plus strand). Cytogenetic location: 1p36.22.
Variant type: single nucleotide variant.
Coding change: c.175+6G>C on transcript NM_014874.4 (MANE Select); 6 bases into the intron after coding-DNA position 175, G replaced by C.
Molecular consequence: intron variant.
Genome position (GRCh38, 1-based): chr1:11,989,349, G>C. VCF-style: chr1-11989349-G-C. GRCh37 (hg19) VCF-style: chr1-12049406-G-C.
Other names: c.175+6G>C (NM_001127660.2).
Identifiers: ClinVar variation 4809291 (VCV004809291.1).